The following is an entry in ClinVar:

ClinVar aggregate classification (germline): Uncertain significance (1 of 4 stars; one submission).

Conditions:
Hereditary cancer-predisposing syndrome. Also called: Neoplastic Syndromes, Hereditary; Tumor predisposition; Hereditary neoplastic syndrome; Hereditary Cancer Syndrome. Identifiers: Orphanet 140162, MedGen C0027672, MeSH D009386, MONDO:0015356.

Submission:

Ambry Genetics
Classification: Uncertain significance for Hereditary cancer-predisposing syndrome. Last evaluated: 2026-07-02. Review status: criteria provided, single submitter. Criteria: Ambry Variant Classification Scheme 2023. Collection method: clinical testing. Allele origin: germline.
Comment: The p.D198G variant (also known as c.593A>G), located in coding exon 5 of the CDH1 gene, results from an A to G substitution at nucleotide position 593. The aspartic acid at codon 198 is replaced by glycine, an amino acid with similar properties. This amino acid position is conserved. In addition, the in silico prediction for this alteration is inconclusive. Based on the available evidence, the clinical significance of this variant remains unclear.

NM_004360.5(CDH1):c.593A>G (p.Asp198Gly)

Gene: CDH1 (cadherin 1; plus strand). Cytogenetic location: 16q22.1.
Variant type: single nucleotide variant.
Coding change: c.593A>G on transcript NM_004360.5 (MANE Select); coding-DNA position 593, A replaced by G.
Protein change: p.Asp198Gly; replaces aspartic acid 198 with glycine.
Molecular consequence: missense variant. On other transcripts: 5 prime UTR variant (2).
Genome position (GRCh38, 1-based): chr16:68,808,754, A>G. VCF-style: chr16-68808754-A-G. GRCh37 (hg19) VCF-style: chr16-68842657-A-G.
Other names: c.593A>G, p.Asp198Gly (NM_001317184.2); c.-1023A>G (NM_001317185.2); c.-1227A>G (NM_001317186.2); short protein forms D198G.
Identifiers: ClinVar variation 5033882 (VCV005033882.1).